The following is an entry in ClinVar:

NM_018979.4(WNK1):c.2351C>G (p.Pro784Arg)

Gene: WNK1 (WNK lysine deficient protein kinase 1; plus strand). Cytogenetic location: 12p13.33.
Variant type: single nucleotide variant.
Coding change: c.2351C>G on transcript NM_018979.4 (MANE Select); coding-DNA position 2351, C replaced by G.
Protein change: p.Pro784Arg; replaces proline 784 with arginine.
Molecular consequence: missense variant.
Genome position (GRCh38, 1-based): chr12:878,339, C>G. VCF-style: chr12-878339-C-G. GRCh37 (hg19) VCF-style: chr12-987505-C-G.
Other names: c.3590C>G, p.Pro1197Arg (NM_001184985.2); c.2348C>G, p.Pro783Arg (NM_014823.3); c.3845C>G, p.Pro1282Arg (NM_213655.5); short protein forms P1197R, P1282R, P783R, P784R.
Identifiers: ClinVar variation 1020366 (VCV001020366.8), dbSNP rs1952810753, ClinGen allele CA383325824.

ClinVar aggregate classification (germline): Uncertain significance (1 of 4 stars; one submission).

Conditions:
Pseudohypoaldosteronism type 2C (PHA2C). Also called: Pseudohypoaldosteronism Type IIC. Identifiers: Orphanet 757, Orphanet 88940, MedGen C1840391, MONDO:0013778, OMIM 614492.
Neuropathy, hereditary sensory and autonomic, type 2A (HSAN2A). Also called: ACROOSTEOLYSIS, GIACCAI TYPE; ACROOSTEOLYSIS, NEUROGENIC; MORVAN DISEASE; NEUROPATHY, CONGENITAL SENSORY; NEUROPATHY, HEREDITARY SENSORY RADICULAR, AUTOSOMAL RECESSIVE; NEUROPATHY, HEREDITARY SENSORY, TYPE IIA. Identifiers: Orphanet 970, MedGen C2752089, MONDO:0024309, OMIM 201300.

Allele frequency attached by ClinVar (database versions not stated): gnomAD exomes below 0.00001.
gnomAD v4.1: 1 of 1,613,766 alleles (0.000062%); highest among the groups gnomAD compares: Non-Finnish European, 0.000085%; no homozygotes.

Submission:

Labcorp Genetics (formerly Invitae), Labcorp
Classification: Uncertain significance for Neuropathy, hereditary sensory and autonomic, type 2A; Pseudohypoaldosteronism type 2C. Last evaluated: 2022-11-01. Review status: criteria provided, single submitter. Criteria: Invitae Variant Classification Sherloc (09022015). Collection method: clinical testing. Allele origin: germline.
Comment: In summary, the available evidence is currently insufficient to determine the role of this variant in disease. Therefore, it has been classified as a Variant of Uncertain Significance. Advanced modeling of protein sequence and biophysical properties (such as structural, functional, and spatial information, amino acid conservation, physicochemical variation, residue mobility, and thermodynamic stability) performed at Invitae indicates that this missense variant is not expected to disrupt WNK1 protein function. ClinVar contains an entry for this variant (Variation ID: 1020366). This variant has not been reported in the literature in individuals affected with WNK1-related conditions. This variant is not present in population databases (gnomAD no frequency). This sequence change replaces proline, which is neutral and non-polar, with arginine, which is basic and polar, at codon 1282 of the WNK1 protein (p.Pro1282Arg).